The following is an entry in ClinVar:

ClinVar aggregate classification (germline): Uncertain significance (1 of 4 stars; one submission).

Conditions:
Amyotrophic lateral sclerosis type 21. Also called: VOCAL CORD AND PHARYNGEAL DYSFUNCTION WITH DISTAL MYOPATHY; MYOPATHY, DISTAL, 2. Identifiers: Orphanet 600, Orphanet 803, MedGen C3807521, MONDO:0011632, OMIM 606070.

gnomAD v4.1: 1 of 1,614,224 alleles (0.000062%); highest among the groups gnomAD compares: Admixed American, 0.0017%; no homozygotes.

Submission:

Labcorp Genetics (formerly Invitae), Labcorp
Classification: Uncertain significance for Amyotrophic lateral sclerosis type 21. Last evaluated: 2023-07-21. Review status: criteria provided, single submitter. Criteria: Invitae Variant Classification Sherloc (09022015). Collection method: clinical testing. Allele origin: germline.
Comment: In summary, the available evidence is currently insufficient to determine the role of this variant in disease. Therefore, it has been classified as a Variant of Uncertain Significance. Advanced modeling of protein sequence and biophysical properties (such as structural, functional, and spatial information, amino acid conservation, physicochemical variation, residue mobility, and thermodynamic stability) performed at Invitae indicates that this missense variant is not expected to disrupt MATR3 protein function. ClinVar contains an entry for this variant (Variation ID: 1387469). This variant has not been reported in the literature in individuals affected with MATR3-related conditions. This variant is not present in population databases (gnomAD no frequency). This sequence change replaces glutamine, which is neutral and polar, with arginine, which is basic and polar, at codon 627 of the MATR3 protein (p.Gln627Arg).

NM_018834.6(MATR3):c.1880A>G (p.Gln627Arg)

Genes: MATR3 (matrin 3; plus strand), LOC126807526 (CDK7 strongly-dependent group 2 enhancer GRCh37_chr5:138657767-138658966; plus strand). Cytogenetic location: 5q31.2.
Variant type: single nucleotide variant.
Coding change: c.1880A>G on transcript NM_018834.6 (MANE Select); coding-DNA position 1880, A replaced by G.
Protein change: p.Gln627Arg; replaces glutamine 627 with arginine.
Molecular consequence: missense variant.
Genome position (GRCh38, 1-based): chr5:139,322,699, A>G. VCF-style: chr5-139322699-A-G. GRCh37 (hg19) VCF-style: chr5-138658388-A-G.
Other names: c.1880A>G, p.Gln627Arg (NM_001194954.2, NM_001194955.2, NM_199189.3); c.1016A>G, p.Gln339Arg (NM_001194956.2); c.866A>G, p.Gln289Arg (NM_001282278.2); short protein forms Q289R, Q627R, Q339R.
Identifiers: ClinVar variation 1387469 (VCV001387469.8), dbSNP rs2152010076, ClinGen allele CA361143765.